The following is an entry in ClinVar:

ClinVar aggregate classification (germline): Pathogenic. Review status: criteria provided, multiple submitters, no conflicts (2 of 4 stars). 2 submissions from 2 submitters: Pathogenic (2). Last evaluated 2025-08-06.

Conditions:
GNPTAB-mucolipidosis. Also called: UDP-N-acetylglucosamine-1-phosphotransferase subunit alpha/beta deficiency. Identifiers: MedGen CN322573, MONDO:0100122.
Mucolipidosis type II. Also called: Mucolipidosis 2; ML 2; Inclusion cell disease; Leroy Disease; N-acetylglucosamine 1phosphotransferase deficiency; ML disorder type 2. Identifiers: Orphanet 576, MedGen C2673377, MONDO:0009650, OMIM 252500.
Pseudo-Hurler polydystrophy. Also called: Type III Mucolipidosis; ML IIIA; Mucolipidosis III Alpha/Beta; MUCOLIPIDOSIS IIIA; ML III; ML III ALPHA/BETA. Identifiers: Orphanet 423461, Orphanet 577, MedGen C0033788, MONDO:0018931, OMIM 252600.

Submissions (2):

Myriad Genetics, Inc.
Classification: Pathogenic for GNPTAB-mucolipidosis. Last evaluated: 2025-08-06. Review status: criteria provided, single submitter. Criteria: Myriad Autosomal Dominant, Autosomal Recessive and X-Linked Classification Criteria (2023). Collection method: clinical testing. Allele origin: unknown.
Comment: NM_024312.4(GNPTAB):c.2303_2306delAACA(K768Rfs*11) is expected to be pathogenic in the context of GNPTAB-related disorders. This variant is predicted to lead to an abnormal or absent protein product due to the creation of a premature termination codon in GNPTAB, a gene where loss-of-function variants are known to be pathogenic. Please note: this variant was assessed in the context of healthy population screening.

Labcorp Genetics (formerly Invitae), Labcorp
Classification: Pathogenic for Pseudo-Hurler polydystrophy; Mucolipidosis type II. Last evaluated: 2022-04-14. Review status: criteria provided, single submitter. Criteria: Invitae Variant Classification Sherloc (09022015). Collection method: clinical testing. Allele origin: germline.
Comment: This sequence change creates a premature translational stop signal (p.Lys768Argfs*11) in the GNPTAB gene. It is expected to result in an absent or disrupted protein product. Loss-of-function variants in GNPTAB are known to be pathogenic (PMID: 19617216, 25107912). This variant is not present in population databases (gnomAD no frequency). This variant has not been reported in the literature in individuals affected with GNPTAB-related conditions. For these reasons, this variant has been classified as Pathogenic.

Literature cited by the submitters: PubMed 19617216 (cited by Labcorp Genetics (formerly Invitae), Labcorp); PubMed 25107912 (cited by Labcorp Genetics (formerly Invitae), Labcorp).

NM_024312.5(GNPTAB):c.2303_2306del (p.Lys768fs)

Gene: GNPTAB (N-acetylglucosamine-1-phosphate transferase subunits alpha and beta; minus strand). Cytogenetic location: 12q23.2.
Variant type: Deletion.
Coding change: c.2303_2306del on transcript NM_024312.5 (MANE Select); coding-DNA positions 2303 to 2306, 4 bases deleted (AACA; older notation c.2303_2306delAACA).
Protein change: p.Lys768fs; shifts the reading frame from lysine 768.
Molecular consequence: frameshift variant.
Genome position (GRCh38, 1-based): chr12:101,764,611-101,764,614, TGTT deleted on the plus strand (AACA on the coding strand, the reverse complement: GNPTAB is on the minus strand); deleting any 4 consecutive bases within chr12:101,764,611-101,764,615 gives the same sequence; the c. name uses the placement nearest the transcript's 3' end. VCF-style (leftmost placement, unchanged base first): chr12-101764610-CTGTT-C. GRCh37 (hg19) VCF-style: chr12-102158388-CTGTT-C.
Other names: short protein forms K768fs.
Identifiers: ClinVar variation 1424471 (VCV001424471.7), dbSNP rs2137116678, ClinGen allele CA2573147949.